The following is an entry in ClinVar:

ClinVar aggregate classification (germline): Uncertain significance (0 of 4 stars; one submission).

gnomAD v4.1: 8 of 1,614,184 alleles (0.0005%); highest among the groups gnomAD compares: South Asian, 0.0088%; no homozygotes.

Submission:

Richard Lifton Laboratory, Yale University School of Medicine
Classification: Uncertain significance. Review status: no assertion criteria provided. Collection method: not provided. Allele origin: somatic.
Comment: TRAPPC10
ClinVar note: Converted during submission from unknown to Uncertain significance.

NM_003274.5(TRAPPC10):c.2929A>G (p.Ser977Gly)

Gene: TRAPPC10 (trafficking protein particle complex subunit 10; plus strand). Cytogenetic location: 21q22.3.
Variant type: single nucleotide variant.
Coding change: c.2929A>G on transcript NM_003274.5 (MANE Select); coding-DNA position 2929, A replaced by G.
Protein change: p.Ser977Gly; replaces serine 977 with glycine.
Molecular consequence: missense variant.
Genome position (GRCh38, 1-based): chr21:44,091,981, A>G. VCF-style: chr21-44091981-A-G. GRCh37 (hg19) VCF-style: chr21-45511862-A-G.
Other names: c.1528A>G, p.Ser510Gly (NM_001351709.1); short protein forms S977G, S510G.
Identifiers: ClinVar variation 91948 (VCV000091948.2), dbSNP rs386352376, ClinGen allele CA232221.